The following is an entry in ClinVar:

NM_000179.3(MSH6):c.2622C>G (p.Ile874Met)

Gene: MSH6 (mutS homolog 6; plus strand). Cytogenetic location: 2p16.3.
Variant type: single nucleotide variant.
Coding change: c.2622C>G on transcript NM_000179.3 (MANE Select); coding-DNA position 2622, C replaced by G.
Protein change: p.Ile874Met; replaces isoleucine 874 with methionine.
Molecular consequence: missense variant.
Genome position (GRCh38, 1-based): chr2:47,800,605, C>G. VCF-style: chr2-47800605-C-G. GRCh37 (hg19) VCF-style: chr2-48027744-C-G.
Other names: c.2232C>G, p.Ile744Met (NM_001281492.2); c.1716C>G, p.Ile572Met (NM_001281493.2, NM_001281494.2); short protein forms I572M, I744M, I874M.
Identifiers: ClinVar variation 1318496 (VCV001318496.2), dbSNP rs1200093419, ClinGen allele CA346755032.

ClinVar aggregate classification (germline): Uncertain significance (1 of 4 stars; one submission).

Submission:

GeneDx
Classification: Uncertain significance. Last evaluated: 2019-05-30. Review status: criteria provided, single submitter. Criteria: GeneDx Variant Classification Process June 2021. Collection method: clinical testing. Allele origin: germline. Affected: yes.
Comment: Not observed in large population cohorts (Lek et al., 2016); In silico analysis, which includes protein predictors and evolutionary conservation, supports that this variant does not alter protein structure/function; Has not been previously published as pathogenic or benign to our knowledge